The following is an entry in ClinVar:

ClinVar aggregate classification (germline): Conflicting classifications of pathogenicity. Review status: criteria provided, conflicting classifications (1 of 4 stars). 5 submissions from 5 submitters: Uncertain significance (1); Likely benign (4). Last evaluated 2026-03-15.

Conditions:
Dilated cardiomyopathy 1G (CMD1G). Identifiers: Orphanet 154, MedGen C1858763, MONDO:0011400, OMIM 604145.
Autosomal recessive limb-girdle muscular dystrophy type 2J (LGMDR10). Also called: Limb-girdle muscular dystrophy, type 2J; MUSCULAR DYSTROPHY, LIMB-GIRDLE, AUTOSOMAL RECESSIVE 10. Identifiers: Orphanet 140922, MedGen C1837342, MONDO:0012127, OMIM 608807.
Cardiovascular phenotype. Identifiers: MedGen CN230736.
Cardiomyopathy (CMYO). Also called: Cardiomyopathies. Identifiers: Orphanet 167848, MedGen C0878544, MONDO:0004994, HP:0001638. Inheritance: Various modes of inheritance.

Allele frequency attached by ClinVar (database versions not stated): gnomAD exomes 0.00001 and 0.00003; ExAC 0.00007; ESP Exome Variant Server 0.00015; gnomAD 0.00017; TOPMed 0.00019; 1000 Genomes Project 30x 0.00031; 1000 Genomes Project 0.00040.
gnomAD v4.1: 43 of 1,614,124 alleles (0.0027%); highest among the groups gnomAD compares: African/African-American, 0.053%; no homozygotes.

Submissions (5):

Women's Health and Genetics/Laboratory Corporation of America, LabCorp
Classification: Likely benign. Last evaluated: 2026-03-15. Review status: criteria provided, single submitter. Criteria: LabCorp Variant Classification Summary - May 2015. Collection method: clinical testing. Allele origin: germline.

Labcorp Genetics (formerly Invitae), Labcorp
Classification: Likely benign for Dilated cardiomyopathy 1G; Autosomal recessive limb-girdle muscular dystrophy type 2J. Last evaluated: 2025-11-26. Review status: criteria provided, single submitter. Criteria: Invitae Variant Classification Sherloc (09022015). Collection method: clinical testing. Allele origin: germline.

Molecular Diagnostic Laboratory for Inherited Cardiovascular Disease, Montreal Heart Institute
Classification: Likely benign. Last evaluated: 2025-04-09. Review status: criteria provided, single submitter. Criteria: ACMG Guidelines, 2015. Collection method: clinical testing. Allele origin: germline. Affected: no.
Comment: BP7

Ambry Genetics
Classification: Likely benign for Cardiovascular phenotype. Last evaluated: 2016-11-03. Review status: criteria provided, single submitter. Criteria: Ambry Variant Classification Scheme 2023. Collection method: clinical testing. Allele origin: germline.

CHEO Genetics Diagnostic Laboratory, Children's Hospital of Eastern Ontario
Classification: Uncertain significance for Cardiomyopathy. Last evaluated: 2016-07-27. Review status: criteria provided, single submitter. Criteria: ACMG Guidelines, 2015. Collection method: clinical testing. Allele origin: germline. Study: Canadian Open Genetics Repository.

NM_001267550.2(TTN):c.111G>C (p.Val37=)

Gene: TTN (titin; minus strand). Cytogenetic location: 2q31.2.
Variant type: single nucleotide variant.
Coding change: c.111G>C on transcript NM_001267550.2 (MANE Select); coding-DNA position 111, G replaced by C.
Protein change: p.Val37=; no amino-acid change (valine 37 retained).
Molecular consequence: synonymous variant.
Genome position (GRCh38, 1-based): chr2:178,802,322, C>G on the plus strand (G>C on the coding strand, the complement: TTN is on the minus strand). VCF-style: chr2-178802322-C-G. GRCh37 (hg19) VCF-style: chr2-179667049-C-G.
Other names: c.111G>C, p.Val37= (NM_001256850.1, NM_003319.4, NM_133378.4 and 3 more transcripts).
Identifiers: ClinVar variation 518581 (VCV000518581.19), dbSNP rs373923523, ClinGen allele CA2006414.